The following is an entry in ClinVar:

NM_003106.4(SOX2):c.81G>C (p.Ala27=)

Genes: SOX2 (SRY-box transcription factor 2; plus strand), SOX2-OT (SOX2 overlapping transcript; plus strand), LOC108281177 (SOX2 5' regulatory region; plus strand). Cytogenetic location: 3q26.33.
Variant type: single nucleotide variant.
Coding change: c.81G>C on transcript NM_003106.4 (MANE Select); coding-DNA position 81, G replaced by C.
Protein change: p.Ala27=; no amino-acid change (alanine 27 retained).
Molecular consequence: synonymous variant.
Genome position (GRCh38, 1-based): chr3:181,712,441, G>C. VCF-style: chr3-181712441-G-C. GRCh37 (hg19) VCF-style: chr3-181430229-G-C.
Identifiers: ClinVar variation 2693648 (VCV002693648.3), dbSNP rs1714839532, ClinGen allele CA437335068.
Genomic context (GRCh38, chr3:181,712,441, plus strand): 5'-GGAGCTGAAGCCGCCGGGCCCGCAGCAAACTTCGGGGGGCGGCGGCGGCAACTCCACCGC[G>C]GCGGCGGCCGGCGGCAACCAGAAAAACAGCCCGGACCGCGTCAAGCGGCCCATGAATGCC-3'
Protein context (NP_003097.1, residues 17-37): TSGGGGGNST[Ala27=]AAAGGNQKNS

ClinVar aggregate classification (germline): Uncertain significance (1 of 4 stars; one submission).

Conditions:
Anophthalmia/microphthalmia-esophageal atresia syndrome (MCOPS3). Also called: SOX2 Disorder; MICROPHTHALMIA AND ESOPHAGEAL ATRESIA SYNDROME; AEG SYNDROME. Identifiers: Orphanet 77298, MedGen C1859773, MONDO:0008799, OMIM 206900.

Submission:

Labcorp Genetics (formerly Invitae), Labcorp
Classification: Uncertain significance for Anophthalmia/microphthalmia-esophageal atresia syndrome. Last evaluated: 2023-11-06. Review status: criteria provided, single submitter. Criteria: Invitae Variant Classification Sherloc (09022015). Collection method: clinical testing. Allele origin: germline.
Comment: This sequence change affects codon 27 of the SOX2 mRNA. It is a 'silent' change, meaning that it does not change the encoded amino acid sequence of the SOX2 protein. This variant is not present in population databases (gnomAD no frequency). This variant has not been reported in the literature in individuals affected with SOX2-related conditions. Experimental studies and prediction algorithms are not available or were not evaluated, and the effect of this variant on mRNA splicing is currently unknown. In summary, the available evidence is currently insufficient to determine the role of this variant in disease. Therefore, it has been classified as a Variant of Uncertain Significance.